The following is an entry in ClinVar:

NM_198253.3(TERT):c.297C>G (p.Phe99Leu)

Gene: TERT (telomerase reverse transcriptase; minus strand). Cytogenetic location: 5p15.33.
Variant type: single nucleotide variant.
Coding change: c.297C>G on transcript NM_198253.3 (MANE Select); coding-DNA position 297, C replaced by G.
Protein change: p.Phe99Leu; replaces phenylalanine 99 with leucine.
Molecular consequence: missense variant. On other transcripts: non-coding transcript variant (2).
Genome position (GRCh38, 1-based): chr5:1,294,589, G>C on the plus strand (C>G on the coding strand, the complement: TERT is on the minus strand). VCF-style: chr5-1294589-G-C. GRCh37 (hg19) VCF-style: chr5-1294704-G-C.
Other names: c.297C>G, p.Phe99Leu (NM_001193376.3); short protein forms F99L.
Identifiers: ClinVar variation 4783684 (VCV004783684.1).

ClinVar aggregate classification (germline): Uncertain significance (1 of 4 stars; one submission).

Conditions:
Dyskeratosis congenita, autosomal dominant 2. Identifiers: MedGen C3151443, MONDO:0013521, OMIM 613989.
Idiopathic Pulmonary Fibrosis. Also called: Idiopathic fibrosing alveolitis, chronic form; idiopathic fibrosing alveolitis. Identifiers: Orphanet 2032, MedGen C1800706, MeSH D054990, MONDO:0800504.

Submission:

Labcorp Genetics (formerly Invitae), Labcorp
Classification: Uncertain significance for Dyskeratosis congenita, autosomal dominant 2; Idiopathic Pulmonary Fibrosis. Last evaluated: 2025-02-20. Review status: criteria provided, single submitter. Criteria: Invitae Variant Classification Sherloc (09022015). Collection method: clinical testing. Allele origin: germline.
Comment: This sequence change replaces phenylalanine, which is neutral and non-polar, with leucine, which is neutral and non-polar, at codon 99 of the TERT protein (p.Phe99Leu). This variant is not present in population databases (gnomAD no frequency). This variant has not been reported in the literature in individuals affected with TERT-related conditions. Invitae Evidence Modeling of protein sequence and biophysical properties (such as structural, functional, and spatial information, amino acid conservation, physicochemical variation, residue mobility, and thermodynamic stability) indicates that this missense variant is expected to disrupt TERT protein function with a positive predictive value of 95%. In summary, the available evidence is currently insufficient to determine the role of this variant in disease. Therefore, it has been classified as a Variant of Uncertain Significance.